The following is an entry in ClinVar:

NM_000321.3(RB1):c.2429A>G (p.Lys810Arg)

Gene: RB1 (RB transcriptional corepressor 1; plus strand). Cytogenetic location: 13q14.2.
Variant type: single nucleotide variant.
Coding change: c.2429A>G on transcript NM_000321.3 (MANE Select); coding-DNA position 2429, A replaced by G.
Protein change: p.Lys810Arg; replaces lysine 810 with arginine.
Molecular consequence: missense variant.
Genome position (GRCh38, 1-based): chr13:48,465,308, A>G. VCF-style: chr13-48465308-A-G. GRCh37 (hg19) VCF-style: chr13-49039444-A-G.
Other names: c.2429A>G, p.Lys810Arg (NM_001407165.1); short protein forms K810R.
Identifiers: ClinVar variation 3687802 (VCV003687802.2).
Genomic context (GRCh38, chr13:48,465,308, plus strand): 5'-ACAAGTTTCCTAGTTCACCCTTACGGATTCCTGGAGGGAACATCTATATTTCACCCCTGA[A>G]GAGTCCATATAAAATTTCAGAAGGTCTGCCAACACCAACAAAAATGACTCCAAGATCAAG-3'
Protein context (NP_000312.2, residues 800-820): PGGNIYISPL[Lys810Arg]SPYKISEGLP

ClinVar aggregate classification (germline): Uncertain significance (1 of 4 stars; one submission).

Conditions:
Retinoblastoma (RB1). Also called: RETINOBLASTOMA, SOMATIC. Identifiers: Orphanet 790, MedGen C0035335, MeSH D012175, MONDO:0008380, OMIM 180200, HP:0009919. Disease mechanism: loss of function. Inheritance: Both sporadic and heritable forms are tested..

Submission:

Labcorp Genetics (formerly Invitae), Labcorp
Classification: Uncertain significance for Retinoblastoma. Last evaluated: 2025-01-23. Review status: criteria provided, single submitter. Criteria: Invitae Variant Classification Sherloc (09022015). Collection method: clinical testing. Allele origin: germline.
Comment: This sequence change replaces lysine, which is basic and polar, with arginine, which is basic and polar, at codon 810 of the RB1 protein (p.Lys810Arg). This variant is not present in population databases (gnomAD no frequency). This variant has not been reported in the literature in individuals affected with RB1-related conditions. Invitae Evidence Modeling of protein sequence and biophysical properties (such as structural, functional, and spatial information, amino acid conservation, physicochemical variation, residue mobility, and thermodynamic stability) indicates that this missense variant is not expected to disrupt RB1 protein function with a negative predictive value of 80%. Experimental studies have shown that this missense change affects RB1 function (PMID: 28841214). In summary, the available evidence is currently insufficient to determine the role of this variant in disease. Therefore, it has been classified as a Variant of Uncertain Significance.

Literature cited by the submitters: PubMed 28841214.